The following is an entry in ClinVar:

ClinVar aggregate classification (germline): Likely pathogenic (1 of 4 stars; one submission).

Conditions:
Mucopolysaccharidosis, MPS-III-C (MPS3C). Also called: MUCOPOLYSACCHARIDOSIS, TYPE IIIC; Mucopolysaccharidosis type IIIC (Sanfilippo C); SANFILIPPO SYNDROME C; MPS III C; mucopolysaccharidosis type 3C; MPS IIIC (Sanfilippo Syndrome Type C). Identifiers: Orphanet 581, Orphanet 79271, MedGen C0086649, MONDO:0009657, OMIM 252930.

Submission:

Myriad Genetics, Inc.
Classification: Likely pathogenic for Mucopolysaccharidosis, MPS-III-C. Last evaluated: 2022-03-14. Review status: criteria provided, single submitter. Criteria: Myriad Women's Health Autosomal Recessive and X-Linked Classification Criteria (2021). Collection method: clinical testing. Allele origin: unknown.
Comment: NM_152419.2(HGSNAT):c.1358_1361delACCA(Y453Cfs*28) is expected to be pathogenic in the context of mucopolysaccharidosis type IIIC. This variant is predicted to lead to an abnormal or absent protein product due to the creation of a premature termination codon in HGSNAT, a gene where loss-of-function variants are known to be pathogenic. Please note: this variant was assessed in the context of healthy population screening.

NM_152419.3(HGSNAT):c.1358_1361del (p.Tyr453fs)

Gene: HGSNAT (heparan-alpha-glucosaminide N-acetyltransferase; plus strand). Cytogenetic location: 8p11.21.
Variant type: Deletion.
Coding change: c.1358_1361del on transcript NM_152419.3 (MANE Select); coding-DNA positions 1358 to 1361, 4 bases deleted (ACCA; older notation c.1358_1361delACCA).
Protein change: p.Tyr453fs; shifts the reading frame from tyrosine 453.
Molecular consequence: frameshift variant.
Genome position (GRCh38, 1-based): chr8:43,192,411-43,192,414, ACCA deleted. VCF-style (leftmost placement, unchanged base first): chr8-43192410-TACCA-T. GRCh37 (hg19) VCF-style: chr8-43047553-TACCA-T.
Other names: c.1358_1361del, p.Tyr453fs (NM_001363227.2); c.1166_1169del, p.Tyr389fs (NM_001363228.2); c.494_497del, p.Tyr165fs (NM_001363229.2); short protein forms Y165fs, Y389fs, Y453fs.
Identifiers: ClinVar variation 1725204 (VCV001725204.2), dbSNP rs2487089692, ClinGen allele CA2580078506.